The following is an entry in ClinVar:

NM_001365088.1(SLC12A6):c.1165G>A (p.Val389Ile)

Gene: SLC12A6 (solute carrier family 12 member 6; minus strand). Cytogenetic location: 15q14.
Variant type: single nucleotide variant.
Coding change: c.1165G>A on transcript NM_001365088.1 (MANE Select); coding-DNA position 1165, G replaced by A.
Protein change: p.Val389Ile; replaces valine 389 with isoleucine.
Molecular consequence: missense variant.
Genome position (GRCh38, 1-based): chr15:34,252,338, C>T on the plus strand (G>A on the coding strand, the complement: SLC12A6 is on the minus strand). VCF-style: chr15-34252338-C-T. GRCh37 (hg19) VCF-style: chr15-34544539-C-T.
Other names: c.988G>A, p.Val330Ile (NM_001042494.2, NM_001042495.2); c.1138G>A, p.Val380Ile (NM_001042496.2); c.1120G>A, p.Val374Ile (NM_001042497.2); c.1012G>A, p.Val338Ile (NM_005135.2); c.1165G>A, p.Val389Ile (NM_133647.2); short protein forms V374I, V338I, V330I, V380I, V389I.
Identifiers: ClinVar variation 2192761 (VCV002192761.4), dbSNP rs766616549, ClinGen allele CA7464366.

ClinVar aggregate classification (germline): Uncertain significance. Review status: criteria provided, multiple submitters, no conflicts (2 of 4 stars). 2 submissions from 2 submitters: Uncertain significance (2). Last evaluated 2026-04-21.

Allele frequency attached by ClinVar (database versions not stated): gnomAD exomes 0.00002.
gnomAD v4.1: 12 of 1,612,658 alleles (0.00074%); highest among the groups gnomAD compares: Admixed American, 0.0083%; no homozygotes.

Submissions (2):

Women's Health and Genetics/Laboratory Corporation of America, LabCorp
Classification: Uncertain significance. Last evaluated: 2026-04-21. Review status: criteria provided, single submitter. Criteria: LabCorp Variant Classification Summary - May 2015. Collection method: clinical testing. Allele origin: germline.
Comment: Variant summary: SLC12A6 c.1165G>A (p.Val389Ile) results in a conservative amino acid change in the encoded protein sequence. Algorithms developed to predict the effect of missense changes on protein structure and function all suggest that this variant is likely to be tolerated. The variant allele was found at a frequency of 3.6e-05 in 251426 control chromosomes. The available data on variant occurrences in the general population are insufficient to allow any conclusion about variant significance. To our knowledge, no occurrence of c.1165G>A in individuals affected with SLC12A6-related conditions and no experimental evidence demonstrating its impact on protein function have been reported. ClinVar contains an entry for this variant (Variation ID: 2192761). Based on the evidence outlined above, the variant was classified as uncertain significance.

Labcorp Genetics (formerly Invitae), Labcorp
Classification: Uncertain significance. Last evaluated: 2025-02-11. Review status: criteria provided, single submitter. Criteria: Invitae Variant Classification Sherloc (09022015). Collection method: clinical testing. Allele origin: germline.
Comment: This sequence change replaces valine, which is neutral and non-polar, with isoleucine, which is neutral and non-polar, at codon 389 of the SLC12A6 protein (p.Val389Ile). This variant is present in population databases (rs766616549, gnomAD 0.01%). This variant has not been reported in the literature in individuals affected with SLC12A6-related conditions. ClinVar contains an entry for this variant (Variation ID: 2192761). Invitae Evidence Modeling of protein sequence and biophysical properties (such as structural, functional, and spatial information, amino acid conservation, physicochemical variation, residue mobility, and thermodynamic stability) indicates that this missense variant is not expected to disrupt SLC12A6 protein function with a negative predictive value of 80%. In summary, the available evidence is currently insufficient to determine the role of this variant in disease. Therefore, it has been classified as a Variant of Uncertain Significance.